The following is an entry in ClinVar:

ClinVar aggregate classification (germline): Likely benign. Review status: criteria provided, single submitter (1 of 4 stars). 2 submissions from 2 submitters: Likely benign (1). 1 of the submissions does not count toward it. Last evaluated 2023-06-09.

Conditions:
FRAS1-related disorder. Also called: FRAS1-related condition.

Allele frequency attached by ClinVar (database versions not stated): gnomAD exomes below 0.00001; TOPMed below 0.00001.
gnomAD v4.1: 2 of 1,611,856 alleles (0.00012%); highest among the groups gnomAD compares: East Asian, 0.0022%; no homozygotes.

Submissions (2):

Labcorp Genetics (formerly Invitae), Labcorp
Classification: Likely benign. Last evaluated: 2023-06-09. Review status: criteria provided, single submitter. Criteria: Invitae Variant Classification Sherloc (09022015). Collection method: clinical testing. Allele origin: germline.

PreventionGenetics, part of Exact Sciences
Classification: Likely benign for FRAS1-related condition. Last evaluated: 2019-05-28. Review status: no assertion criteria provided. Collection method: clinical testing. Allele origin: germline. Not counted in ClinVar's aggregate classification.
Comment: This variant is classified as likely benign based on ACMG/AMP sequence variant interpretation guidelines (Richards et al. 2015 PMID: 25741868, with internal and published modifications).

NM_025074.7(FRAS1):c.981+8G>A

Gene: FRAS1 (Fraser extracellular matrix complex subunit 1; plus strand). Cytogenetic location: 4q21.21.
Variant type: single nucleotide variant.
Coding change: c.981+8G>A on transcript NM_025074.7 (MANE Select); 8 bases into the intron after coding-DNA position 981, G replaced by A.
Molecular consequence: intron variant.
Genome position (GRCh38, 1-based): chr4:78,267,440, G>A. VCF-style: chr4-78267440-G-A. GRCh37 (hg19) VCF-style: chr4-79188594-G-A.
Other names: c.981+8G>A (NM_001166133.2, NM_025074.6).
Identifiers: ClinVar variation 2791723 (VCV002791723.5), dbSNP rs1167185325, ClinGen allele CA553082735.